The following is an entry in ClinVar:

ClinVar aggregate classification (germline): Uncertain significance (1 of 4 stars; one submission).

Conditions:
Mucopolysaccharidosis, MPS-III-C (MPS3C). Also called: SANFILIPPO SYNDROME C; MPS III C; mucopolysaccharidosis type 3C; MUCOPOLYSACCHARIDOSIS, TYPE IIIC; MPS IIIC (Sanfilippo Syndrome Type C); Mucopolysaccharidosis type IIIC (Sanfilippo C). Identifiers: Orphanet 581, Orphanet 79271, MedGen C0086649, MONDO:0009657, OMIM 252930.
Retinitis pigmentosa 73 (RP73). Identifiers: Orphanet 791, MedGen C4225287, MONDO:0014687, OMIM 616544.

Allele frequency attached by ClinVar (database versions not stated): gnomAD exomes below 0.00001.
gnomAD v4.1: 1 of 1,611,202 alleles (0.000062%); highest among the groups gnomAD compares: Non-Finnish European, 0.000085%; no homozygotes.

Submission:

Labcorp Genetics (formerly Invitae), Labcorp
Classification: Uncertain significance for Retinitis pigmentosa 73; Mucopolysaccharidosis, MPS-III-C. Last evaluated: 2021-12-28. Review status: criteria provided, single submitter. Criteria: Invitae Variant Classification Sherloc (09022015). Collection method: clinical testing. Allele origin: germline.
Comment: This sequence change replaces tryptophan, which is neutral and slightly polar, with glycine, which is neutral and non-polar, at codon 597 of the HGSNAT protein (p.Trp597Gly). This variant is not present in population databases (gnomAD no frequency). This variant has not been reported in the literature in individuals affected with HGSNAT-related conditions. Advanced modeling of protein sequence and biophysical properties (such as structural, functional, and spatial information, amino acid conservation, physicochemical variation, residue mobility, and thermodynamic stability) performed at Invitae indicates that this missense variant is expected to disrupt HGSNAT protein function. In summary, the available evidence is currently insufficient to determine the role of this variant in disease. Therefore, it has been classified as a Variant of Uncertain Significance.

NM_152419.3(HGSNAT):c.1789T>G (p.Trp597Gly)

Gene: HGSNAT (heparan-alpha-glucosaminide N-acetyltransferase; plus strand). Cytogenetic location: 8p11.21.
Variant type: single nucleotide variant.
Coding change: c.1789T>G on transcript NM_152419.3 (MANE Select); coding-DNA position 1789, T replaced by G.
Protein change: p.Trp597Gly; replaces tryptophan 597 with glycine.
Molecular consequence: missense variant.
Genome position (GRCh38, 1-based): chr8:43,199,450, T>G. VCF-style: chr8-43199450-T-G. GRCh37 (hg19) VCF-style: chr8-43054593-T-G.
Other names: c.1876T>G, p.Trp626Gly (NM_001363227.2); c.1597T>G, p.Trp533Gly (NM_001363228.2); c.925T>G, p.Trp309Gly (NM_001363229.2); short protein forms W626G, W597G, W309G, W533G.
Identifiers: ClinVar variation 2063648 (VCV002063648.1), dbSNP rs2487125962, ClinGen allele CA371121323.